The following is an entry in ClinVar:

ClinVar aggregate classification (germline): Likely pathogenic (1 of 4 stars; one submission).

Conditions:
Hereditary cancer-predisposing syndrome. Also called: Hereditary Cancer Syndrome; Hereditary neoplastic syndrome; Neoplastic Syndromes, Hereditary; Tumor predisposition. Identifiers: Orphanet 140162, MedGen C0027672, MeSH D009386, MONDO:0015356.

Submission:

Ambry Genetics
Classification: Likely pathogenic for Hereditary cancer-predisposing syndrome. Last evaluated: 2026-09-01. Review status: criteria provided, single submitter. Criteria: Ambry Variant Classification Scheme 2023. Collection method: clinical testing. Allele origin: germline.
Comment: The c.1246_1247insAlu likely pathogenic variant results from the insertion of an Alu element between nucleotides c.1246 and c.1247 in coding exon 4 of the PALB2 gene. Mobile element insertions contribute to pathogenicity by either disrupting the coding sequence or inducing aberrant splicing (Belancio VP et al. Semin. Cancer Biol. 2010 Aug;20:200-10; Deininger P et al. Genome Biol. 2011 Dec;12:236; van der Klift HM Hum Mutat. 2012 Jul;33(7):1051-5). This insertion occurs within the ChAM (chromatin associated motif) domain of PALB2, which is crucial for recruitment of the BRCA complexes and homology-directed repair (Bleuyard JY et al. EMBO Rep., 2012 Feb;13:135-41). Based on the majority of available evidence to date, this variant is likely to be pathogenic.

Literature cited by the submitters: PubMed 22193777; PubMed 29025590.

NM_024675.3:c.1246_1247insALU

Gene: PALB2 (partner and localizer of BRCA2; minus strand).
Variant type: Insertion.
Identifiers: ClinVar variation 1759495 (VCV001759495.3).